The following is an entry in ClinVar:

NM_000535.7(PMS2):c.2450T>C (p.Met817Thr)

Gene: PMS2 (PMS1 homolog 2, mismatch repair system component; minus strand). Cytogenetic location: 7p22.1.
Variant type: single nucleotide variant.
Coding change: c.2450T>C on transcript NM_000535.7 (MANE Select); coding-DNA position 2450, T replaced by C.
Protein change: p.Met817Thr; replaces methionine 817 with threonine.
Molecular consequence: missense variant. On other transcripts: non-coding transcript variant (1).
Genome position (GRCh38, 1-based): chr7:5,973,538, A>G on the plus strand (T>C on the coding strand, the complement: PMS2 is on the minus strand). VCF-style: chr7-5973538-A-G. GRCh37 (hg19) VCF-style: chr7-6013169-A-G.
Other names: c.2045T>C, p.Met682Thr (NM_001406890.1, NM_001406892.1, NM_001406889.1 and 12 more transcripts); c.2078T>C, p.Met693Thr (NM_001406887.1, NM_001406888.1, NM_001322009.2); c.2114T>C, p.Met705Thr (NM_001406885.1); c.2084T>C, p.Met695Thr (NM_001406886.1); c.2294T>C, p.Met765Thr (NM_001322006.2); c.2132T>C, p.Met711Thr (NM_001322007.2, NM_001322008.2, NM_001406883.1); c.1889T>C, p.Met630Thr (NM_001322010.2, NM_001406906.1, NM_001406907.1); c.1517T>C, p.Met506Thr (NM_001322011.2, NM_001322012.2); and 20 more; short protein forms M416T, M506T, M560T, M578T, M626T, M630T, M646T, M655T.
Identifiers: ClinVar variation 3232014 (VCV003232014.1), dbSNP rs2128659263, ClinGen allele CA366735037.

ClinVar aggregate classification (germline): Uncertain significance (1 of 4 stars; one submission).

Conditions:
Hereditary cancer-predisposing syndrome. Also called: Neoplastic Syndromes, Hereditary; Tumor predisposition; Hereditary neoplastic syndrome; Hereditary Cancer Syndrome. Identifiers: Orphanet 140162, MedGen C0027672, MeSH D009386, MONDO:0015356.

Submission:

Ambry Genetics
Classification: Uncertain significance for Hereditary cancer-predisposing syndrome. Last evaluated: 2022-12-26. Review status: criteria provided, single submitter. Criteria: Ambry Variant Classification Scheme 2023. Collection method: clinical testing. Allele origin: germline.
Comment: The p.M817T variant (also known as c.2450T>C), located in coding exon 15 of the PMS2 gene, results from a T to C substitution at nucleotide position 2450. The methionine at codon 817 is replaced by threonine, an amino acid with similar properties. This amino acid position is conserved. In addition, this alteration is predicted to be deleterious by in silico analysis. Since supporting evidence is limited at this time, the clinical significance of this alteration remains unclear.